The following is an entry in ClinVar:

ClinVar aggregate classification (germline): Uncertain significance (1 of 4 stars; one submission).

gnomAD v4.1: 1 of 1,609,272 alleles (0.000062%); highest among the groups gnomAD compares: South Asian, 0.0011%; no homozygotes.

Submission:

Labcorp Genetics (formerly Invitae), Labcorp
Classification: Uncertain significance. Last evaluated: 2022-03-01. Review status: criteria provided, single submitter. Criteria: Invitae Variant Classification Sherloc (09022015). Collection method: clinical testing. Allele origin: germline.
Comment: In summary, the available evidence is currently insufficient to determine the role of this variant in disease. Therefore, it has been classified as a Variant of Uncertain Significance. Algorithms developed to predict the effect of sequence changes on RNA splicing suggest that this variant may disrupt the consensus splice site. Algorithms developed to predict the effect of missense changes on protein structure and function are either unavailable or do not agree on the potential impact of this missense change (SIFT: "Deleterious"; PolyPhen-2: "Probably Damaging"; Align-GVGD: "Class C0"). This variant has not been reported in the literature in individuals affected with TMTC3-related conditions. This variant is not present in population databases (gnomAD no frequency). This sequence change replaces glycine, which is neutral and non-polar, with valine, which is neutral and non-polar, at codon 58 of the TMTC3 protein (p.Gly58Val).

NM_181783.4(TMTC3):c.173G>T (p.Gly58Val)

Gene: TMTC3 (transmembrane O-mannosyltransferase targeting cadherins 3; plus strand). Cytogenetic location: 12q21.32.
Variant type: single nucleotide variant.
Coding change: c.173G>T on transcript NM_181783.4 (MANE Select); coding-DNA position 173, G replaced by T.
Protein change: p.Gly58Val; replaces glycine 58 with valine.
Molecular consequence: missense variant. On other transcripts: 5 prime UTR variant (1), non-coding transcript variant (1), intron variant (2).
Genome position (GRCh38, 1-based): chr12:88,148,488, G>T. VCF-style: chr12-88148488-G-T. GRCh37 (hg19) VCF-style: chr12-88542265-G-T.
Other names: c.-8G>T (NM_001366574.1); c.173G>T, p.Gly58Val (NM_001366579.1); c.-78-4803G>T (NM_001366580.1); c.-285-5800G>T (NM_001366583.1); short protein forms G58V.
Identifiers: ClinVar variation 2105395 (VCV002105395.4), dbSNP rs778078472, ClinGen allele CA385992592.
Genomic context (GRCh38, chr12:88,148,488, plus strand): 5'-ATAACAAAGACTTGCATCCATCTACACCTTTAAAAACTTTATTTCAAAATGACTTCTGGG[G>T]AACCCCTATGTCTGAGGTAAGTAATTACTTACATATTACTTGTACATGTCTCAGATTTTG-3'
Protein context (NP_861448.2, residues 48-68): LKTLFQNDFW[Gly58Val]TPMSEERSHK